The following is an entry in ClinVar:

NM_014915.3(ANKRD26):c.3171T>A (p.Asp1057Glu)

Gene: ANKRD26 (ankyrin repeat domain containing 26; minus strand). Cytogenetic location: 10p12.1.
Variant type: single nucleotide variant.
Coding change: c.3171T>A on transcript NM_014915.3 (MANE Select); coding-DNA position 3171, T replaced by A.
Protein change: p.Asp1057Glu; replaces aspartic acid 1057 with glutamic acid.
Molecular consequence: missense variant.
Genome position (GRCh38, 1-based): chr10:27,035,279, A>T on the plus strand (T>A on the coding strand, the complement: ANKRD26 is on the minus strand). VCF-style: chr10-27035279-A-T. GRCh37 (hg19) VCF-style: chr10-27324208-A-T.
Other names: c.3168T>A, p.Asp1056Glu (NM_001256053.2); short protein forms D1056E, D1057E.
Identifiers: ClinVar variation 3915190 (VCV003915190.1).
Genomic context (GRCh38, chr10:27,035,279, plus strand): 5'-TTCTAGGCTATTGAGTTTACTTTCAGTTTTAAATAGTTGTTGAGAAAGAATCTCATTGTT[A>T]TCTTTTAGGTTAGACACATCAAAATTCATTTTGTCCTGTAAACGAGAACATTCATCTCTT-3'
Protein context (NP_055730.2, residues 1047-1067): KMNFDVSNLK[Asp1057Glu]NNEILSQQLF

ClinVar aggregate classification (germline): Uncertain significance (1 of 4 stars; one submission).

Conditions:
Inborn genetic diseases. Identifiers: MedGen C0950123, MeSH D030342.

gnomAD v4.1: 2 of 1,613,868 alleles (0.00012%); highest among the groups gnomAD compares: Non-Finnish European, 0.00017%; no homozygotes.

Submission:

Ambry Genetics
Classification: Uncertain significance for Inborn genetic diseases. Last evaluated: 2025-06-08. Review status: criteria provided, single submitter. Criteria: Ambry Variant Classification Scheme 2023. Collection method: clinical testing. Allele origin: germline.
Comment: The p.D1057E variant (also known as c.3171T>A), located in coding exon 24 of the ANKRD26 gene, results from a T to A substitution at nucleotide position 3171. The aspartic acid at codon 1057 is replaced by glutamic acid, an amino acid with highly similar properties. This amino acid position is conserved. In addition, this alteration is predicted to be tolerated by in silico analysis. Based on the available evidence, the clinical significance of this variant remains unclear.